The following is an entry in ClinVar:

ClinVar aggregate classification (germline): Uncertain significance (1 of 4 stars; one submission).

Conditions:
Episodic ataxia type 1 (EA1). Also called: PAROXYSMAL ATAXIA WITH NEUROMYOTONIA, HEREDITARY; Episodic ataxia/myokymia syndrome; ATAXIA, EPISODIC, WITH MYOKYMIA; MYOKYMIA WITH PERIODIC ATAXIA. Identifiers: Orphanet 37612, Orphanet 972, MedGen C1719788, MONDO:0008047, OMIM 160120.

Submission:

Labcorp Genetics (formerly Invitae), Labcorp
Classification: Uncertain significance for Episodic ataxia type 1. Last evaluated: 2023-04-26. Review status: criteria provided, single submitter. Criteria: Invitae Variant Classification Sherloc (09022015). Collection method: clinical testing. Allele origin: germline.
Comment: This sequence change replaces glycine, which is neutral and non-polar, with alanine, which is neutral and non-polar, at codon 6 of the KCNA1 protein (p.Gly6Ala). This variant is not present in population databases (gnomAD no frequency). This variant has not been reported in the literature in individuals affected with KCNA1-related conditions. Advanced modeling of protein sequence and biophysical properties (such as structural, functional, and spatial information, amino acid conservation, physicochemical variation, residue mobility, and thermodynamic stability) performed at Invitae indicates that this missense variant is not expected to disrupt KCNA1 protein function. In summary, the available evidence is currently insufficient to determine the role of this variant in disease. Therefore, it has been classified as a Variant of Uncertain Significance.

NM_000217.3(KCNA1):c.17G>C (p.Gly6Ala)

Genes: KCNA1 (potassium voltage-gated channel subfamily A member 1; plus strand), LOC130007218 (ATAC-STARR-seq lymphoblastoid silent region 4155; plus strand). Cytogenetic location: 12p13.32.
Variant type: single nucleotide variant.
Coding change: c.17G>C on transcript NM_000217.3 (MANE Select); coding-DNA position 17, G replaced by C.
Protein change: p.Gly6Ala; replaces glycine 6 with alanine.
Molecular consequence: missense variant.
Genome position (GRCh38, 1-based): chr12:4,911,395, G>C. VCF-style: chr12-4911395-G-C. GRCh37 (hg19) VCF-style: chr12-5020561-G-C.
Other names: short protein forms G6A.
Identifiers: ClinVar variation 2895659 (VCV002895659.3), dbSNP rs962697658, ClinGen allele CA231855278.